The following is an entry in ClinVar:

ClinVar aggregate classification (germline): Uncertain significance (1 of 4 stars; one submission).

Conditions:
Neuropathy, hereditary sensory, type 2C. Also called: KIF1A-Related HSAN2 (HSAN2C); Hereditary sensory and autonomic neuropathy type IIC. Identifiers: Orphanet 970, MedGen C3280168, MONDO:0013634, OMIM 614213.
Hereditary spastic paraplegia 30. Identifiers: Orphanet 101010, MedGen C5235139, MONDO:0012476.
Intellectual disability, autosomal dominant 9 (NESCAVS). Also called: KIF1A-Related Neurodevelopmental Disorder; NESCAV SYNDROME. Identifiers: Orphanet 662367, MedGen C5393830, MONDO:0013656, OMIM 614255.

gnomAD v4.1: 10 of 1,613,406 alleles (0.00062%); highest among the groups gnomAD compares: Non-Finnish European, 0.00085%; no homozygotes.

Submission:

Labcorp Genetics (formerly Invitae), Labcorp
Classification: Uncertain significance for Hereditary spastic paraplegia 30; Neuropathy, hereditary sensory, type 2C; Intellectual disability, autosomal dominant 9. Last evaluated: 2025-05-07. Review status: criteria provided, single submitter. Criteria: Invitae Variant Classification Sherloc (09022015). Collection method: clinical testing. Allele origin: germline.
Comment: This sequence change replaces isoleucine, which is neutral and non-polar, with valine, which is neutral and non-polar, at codon 1217 of the KIF1A protein (p.Ile1217Val). This variant is not present in population databases (gnomAD no frequency). This variant has not been reported in the literature in individuals affected with KIF1A-related conditions. Invitae Evidence Modeling of protein sequence and biophysical properties (such as structural, functional, and spatial information, amino acid conservation, physicochemical variation, residue mobility, and thermodynamic stability) indicates that this missense variant is not expected to disrupt KIF1A protein function with a negative predictive value of 95%. In summary, the available evidence is currently insufficient to determine the role of this variant in disease. Therefore, it has been classified as a Variant of Uncertain Significance.

NM_001244008.2(KIF1A):c.3952A>G (p.Ile1318Val)

Gene: KIF1A (kinesin family member 1A; minus strand). Cytogenetic location: 2q37.3.
Variant type: single nucleotide variant.
Coding change: c.3952A>G on transcript NM_001244008.2 (MANE Select); coding-DNA position 3952, A replaced by G.
Protein change: p.Ile1318Val; replaces isoleucine 1318 with valine.
Molecular consequence: missense variant.
Genome position (GRCh38, 1-based): chr2:240,737,118, T>C on the plus strand (A>G on the coding strand, the complement: KIF1A is on the minus strand). VCF-style: chr2-240737118-T-C. GRCh37 (hg19) VCF-style: chr2-241676535-T-C.
Other names: c.3676A>G, p.Ile1226Val (NM_001320705.2, NM_001330289.2, NM_001379638.1); c.3751A>G, p.Ile1251Val (NM_001330290.2, NM_001379634.1, NM_001379635.1 and 1 more transcripts); c.4027A>G, p.Ile1343Val (NM_001379631.1); c.3901A>G, p.Ile1301Val (NM_001379632.1); c.3925A>G, p.Ile1309Val (NM_001379633.1, NM_001379642.1, NM_001379645.1); c.3763A>G, p.Ile1255Val (NM_001379636.1); c.3724A>G, p.Ile1242Val (NM_001379637.1, NM_001379648.1); c.3649A>G, p.Ile1217Val (NM_001379639.1, NM_001379641.1, NM_001379649.1 and 4 more transcripts); and 1 more; short protein forms I1217V, I1251V, I1301V, I1343V, I1216V, I1309V, I1318V, I1226V.
Identifiers: ClinVar variation 4783183 (VCV004783183.1).